The following is an entry in ClinVar:

NM_001378452.1(ITPR1):c.5372G>C (p.Ser1791Thr)

Gene: ITPR1 (inositol 1,4,5-trisphosphate receptor type 1; plus strand). Cytogenetic location: 3p26.1.
Variant type: single nucleotide variant.
Coding change: c.5372G>C on transcript NM_001378452.1 (MANE Select); coding-DNA position 5372, G replaced by C.
Protein change: p.Ser1791Thr; replaces serine 1791 with threonine.
Molecular consequence: missense variant.
Genome position (GRCh38, 1-based): chr3:4,735,182, G>C. VCF-style: chr3-4735182-G-C. GRCh37 (hg19) VCF-style: chr3-4776866-G-C.
Other names: c.5228G>C, p.Ser1743Thr (NM_001099952.4); c.5327G>C, p.Ser1776Thr (NM_001168272.2); c.5183G>C, p.Ser1728Thr (NM_002222.7); short protein forms S1776T, S1728T, S1743T, S1791T.
Identifiers: ClinVar variation 2135673 (VCV002135673.4), dbSNP rs2469952838, ClinGen allele CA351638912.

ClinVar aggregate classification (germline): Uncertain significance (1 of 4 stars; one submission).

Allele frequency attached by ClinVar (database versions not stated): gnomAD exomes below 0.00001.
gnomAD v4.1: 1 of 1,613,636 alleles (0.000062%); highest among the groups gnomAD compares: South Asian, 0.0011%; no homozygotes.

Submission:

Labcorp Genetics (formerly Invitae), Labcorp
Classification: Uncertain significance. Last evaluated: 2024-11-11. Review status: criteria provided, single submitter. Criteria: Invitae Variant Classification Sherloc (09022015). Collection method: clinical testing. Allele origin: germline.
Comment: This sequence change replaces serine, which is neutral and polar, with threonine, which is neutral and polar, at codon 1728 of the ITPR1 protein (p.Ser1728Thr). This variant is not present in population databases (gnomAD no frequency). This variant has not been reported in the literature in individuals affected with ITPR1-related conditions. ClinVar contains an entry for this variant (Variation ID: 2135673). Invitae Evidence Modeling of protein sequence and biophysical properties (such as structural, functional, and spatial information, amino acid conservation, physicochemical variation, residue mobility, and thermodynamic stability) indicates that this missense variant is not expected to disrupt ITPR1 protein function with a negative predictive value of 95%. In summary, the available evidence is currently insufficient to determine the role of this variant in disease. Therefore, it has been classified as a Variant of Uncertain Significance.